The following is an entry in ClinVar:

NM_015474.4(SAMHD1):c.1802G>A (p.Ser601Asn)

Genes: SAMHD1 (SAM and HD domain containing deoxynucleoside triphosphate triphosphohydrolase 1; minus strand), TLDC2 (TBC/LysM-associated domain containing 2; plus strand). Cytogenetic location: 20q11.23.
Variant type: single nucleotide variant.
Coding change: c.1802G>A on transcript NM_015474.4 (MANE Select); coding-DNA position 1802, G replaced by A.
Protein change: p.Ser601Asn; replaces serine 601 with asparagine.
Molecular consequence: missense variant. On other transcripts: 3 prime UTR variant (3).
Genome position (GRCh38, 1-based): chr20:36,893,011, C>T on the plus strand (G>A on the coding strand, the complement: SAMHD1 is on the minus strand). VCF-style: chr20-36893011-C-T. GRCh37 (hg19) VCF-style: chr20-35521414-C-T.
Other names: c.*167C>T (NM_001304783.1, NM_080628.3); c.1697G>A, p.Ser566Asn (NM_001363729.2); c.*895G>A (NM_001363733.2); short protein forms S601N, S566N.
Identifiers: ClinVar variation 2002246 (VCV002002246.4), dbSNP rs1051223670, ClinGen allele CA314277866.

ClinVar aggregate classification (germline): Uncertain significance (1 of 4 stars; one submission).

Conditions:
Aicardi-Goutieres syndrome 5. Identifiers: Orphanet 51, MedGen C2749659, MONDO:0013059, OMIM 612952.

Allele frequency attached by ClinVar (database versions not stated): gnomAD exomes below 0.00001.
gnomAD v4.1: 1 of 1,613,978 alleles (0.000062%); highest among the groups gnomAD compares: Non-Finnish European, 0.000085%; no homozygotes.

Submission:

Labcorp Genetics (formerly Invitae), Labcorp
Classification: Uncertain significance for Aicardi-Goutieres syndrome 5. Last evaluated: 2025-09-03. Review status: criteria provided, single submitter. Criteria: Invitae Variant Classification Sherloc (09022015). Collection method: clinical testing. Allele origin: germline.
Comment: This sequence change replaces serine, which is neutral and polar, with asparagine, which is neutral and polar, at codon 601 of the SAMHD1 protein (p.Ser601Asn). This variant is not present in population databases (gnomAD no frequency). This variant has not been reported in the literature in individuals affected with SAMHD1-related conditions. ClinVar contains an entry for this variant (Variation ID: 2002246). Invitae Evidence Modeling of protein sequence and biophysical properties (such as structural, functional, and spatial information, amino acid conservation, physicochemical variation, residue mobility, and thermodynamic stability) indicates that this missense variant is not expected to disrupt SAMHD1 protein function with a negative predictive value of 95%. In summary, the available evidence is currently insufficient to determine the role of this variant in disease. Therefore, it has been classified as a Variant of Uncertain Significance.